The following is an entry in ClinVar:

ClinVar aggregate classification (germline): Likely pathogenic (1 of 4 stars; one submission).

Conditions:
Autosomal recessive limb-girdle muscular dystrophy type 2J (LGMDR10). Also called: Limb-girdle muscular dystrophy, type 2J; MUSCULAR DYSTROPHY, LIMB-GIRDLE, AUTOSOMAL RECESSIVE 10. Identifiers: Orphanet 140922, MedGen C1837342, MONDO:0012127, OMIM 608807.
Dilated cardiomyopathy 1G (CMD1G). Identifiers: Orphanet 154, MedGen C1858763, MONDO:0011400, OMIM 604145.

Submission:

Labcorp Genetics (formerly Invitae), Labcorp
Classification: Likely pathogenic for Dilated cardiomyopathy 1G; Autosomal recessive limb-girdle muscular dystrophy type 2J. Last evaluated: 2024-11-28. Review status: criteria provided, single submitter. Criteria: Invitae Variant Classification Sherloc (09022015). Collection method: clinical testing. Allele origin: germline.
Comment: This sequence change creates a premature translational stop signal (p.Lys2344Argfs*6) in the TTN gene. While this is not anticipated to result in nonsense mediated decay, it is expected to create a truncated TTN protein. This variant is present in population databases (no rsID available, gnomAD 0.0009%). This variant has not been reported in the literature in individuals affected with TTN-related conditions. ClinVar contains an entry for this variant (Variation ID: 467431). This variant is located in the I band of TTN (PMID: 25589632). Truncating variants in this region have been reported in individuals affected with autosomal recessive centronuclear myopathy (PMID: 23975875, internal data). Truncating variants in this region have also been identified in individuals affected with autosomal dominant dilated cardiomyopathy and/or cardio-related conditions (PMID: 27869827, 32964742, internal data). In summary, the currently available evidence indicates that the variant is pathogenic, but additional data are needed to prove that conclusively. Therefore, this variant has been classified as Likely Pathogenic.

Literature cited by the submitters: PubMed 25589632; PubMed 23975875; PubMed 27869827; PubMed 32964742.

NM_001267550.2(TTN):c.7026del (p.Lys2344fs)

Genes: TTN (titin; minus strand), LOC126806433 (BRD4-independent group 4 enhancer GRCh37_chr2:179638309-179639508; plus strand). Cytogenetic location: 2q31.2.
Variant type: Deletion.
Coding change: c.7026del on transcript NM_001267550.2 (MANE Select); coding-DNA position 7026, one base deleted (G; older notation c.7026delG).
Protein change: p.Lys2344fs; shifts the reading frame from lysine 2344.
Molecular consequence: frameshift variant.
Genome position (GRCh38, 1-based): chr2:178,774,238, C deleted on the plus strand (G on the coding strand, the reverse complement: TTN is on the minus strand); the first of 3 consecutive C bases (chr2:178,774,238-178,774,240); deleting any one gives the same sequence. VCF-style (leftmost placement, unchanged base first): chr2-178774237-TC-T. GRCh37 (hg19) VCF-style: chr2-179638964-TC-T.
Other names: c.7026delG (NM_001267550.2); c.7026del, p.Lys2344fs (NM_001256850.1, NM_133378.4, NM_133379.5); c.6888del, p.Lys2298fs (NM_003319.4, NM_133432.3, NM_133437.4); short protein forms K2344fs, K2298fs.
Identifiers: ClinVar variation 467431 (VCV000467431.9), dbSNP rs1211627330, ClinGen allele CA538438232.